The following is an entry in ClinVar:

NM_000038.6(APC):c.1174C>T (p.His392Tyr)

Gene: APC (APC regulator of Wnt signaling pathway; plus strand). Cytogenetic location: 5q22.2.
Variant type: single nucleotide variant.
Coding change: c.1174C>T on transcript NM_000038.6 (MANE Select); coding-DNA position 1174, C replaced by T.
Protein change: p.His392Tyr; replaces histidine 392 with tyrosine.
Molecular consequence: missense variant. On other transcripts: intron variant (4).
Genome position (GRCh38, 1-based): chr5:112,819,206, C>T. VCF-style: chr5-112819206-C-T. GRCh37 (hg19) VCF-style: chr5-112154903-C-T.
Other names: c.1174C>T, p.His392Tyr (NM_001127510.3, NM_001354895.2, NM_001354896.2); c.1120C>T, p.His374Tyr (NM_001127511.3); c.1204C>T, p.His402Tyr (NM_001354897.2); c.1099C>T, p.His367Tyr (NM_001354898.2); c.1090C>T, p.His364Tyr (NM_001354899.2); c.997C>T, p.His333Tyr (NM_001354900.2, NM_001354901.2); c.325C>T, p.His109Tyr (NM_001354906.2); c.964-63C>T (NM_001354902.2); and 3 more; short protein forms H367Y, H392Y, H333Y, H364Y, H374Y, H402Y, H109Y.
Identifiers: ClinVar variation 926694 (VCV000926694.14), dbSNP rs2041679253, ClinGen allele CA16023877.

ClinVar aggregate classification (germline): Uncertain significance. Review status: criteria provided, multiple submitters, no conflicts (2 of 4 stars). 3 submissions from 3 submitters: Uncertain significance (3). Last evaluated 2025-04-07.

Conditions:
Familial adenomatous polyposis 1 (FAP1). Also called: FAMILIAL ADENOMATOUS POLYPOSIS 1, ATTENUATED; POLYPOSIS, ADENOMATOUS INTESTINAL. Identifiers: MedGen C2713442, MONDO:0021056, OMIM 175100. Disease mechanism: loss of function.
Hereditary cancer-predisposing syndrome. Also called: Neoplastic Syndromes, Hereditary; Tumor predisposition; Hereditary Cancer Syndrome; Hereditary neoplastic syndrome. Identifiers: Orphanet 140162, MedGen C0027672, MeSH D009386, MONDO:0015356.

Submissions (3):

Labcorp Genetics (formerly Invitae), Labcorp
Classification: Uncertain significance for Familial adenomatous polyposis 1. Last evaluated: 2025-04-07. Review status: criteria provided, single submitter. Criteria: Invitae Variant Classification Sherloc (09022015). Collection method: clinical testing. Allele origin: germline.
Comment: This sequence change replaces histidine, which is basic and polar, with tyrosine, which is neutral and polar, at codon 392 of the APC protein (p.His392Tyr). This variant is not present in population databases (gnomAD no frequency). This variant has not been reported in the literature in individuals affected with APC-related conditions. ClinVar contains an entry for this variant (Variation ID: 926694). Invitae Evidence Modeling of protein sequence and biophysical properties (such as structural, functional, and spatial information, amino acid conservation, physicochemical variation, residue mobility, and thermodynamic stability) indicates that this missense variant is not expected to disrupt APC protein function with a negative predictive value of 95%. In summary, the available evidence is currently insufficient to determine the role of this variant in disease. Therefore, it has been classified as a Variant of Uncertain Significance.

Color Diagnostics, LLC DBA Color Health
Classification: Uncertain significance for Hereditary cancer-predisposing syndrome. Last evaluated: 2019-05-30. Review status: criteria provided, single submitter. Criteria: ACMG Guidelines, 2015. Collection method: clinical testing. Allele origin: germline.

Ambry Genetics
Classification: Uncertain significance for Hereditary cancer-predisposing syndrome. Last evaluated: 2015-12-23. Review status: criteria provided, single submitter. Criteria: Ambry Variant Classification Scheme 2023. Collection method: clinical testing. Allele origin: germline.
Comment: The p.H392Y variant (also known as c.1174C>T), located in coding exon 9 of the APC gene, results from a C to T substitution at nucleotide position 1174. The histidine at codon 392 is replaced by tyrosine, an amino acid with similar properties. This variant was not reported in population based cohorts in the following databases: Database of Single Nucleotide Polymorphisms (dbSNP), NHLBI Exome Sequencing Project (ESP), and 1000 Genomes Project. In the ESP, this variant was not observed in 6502 samples (13004 alleles) with coverage at this position. To date, this alteration has been detected with an allele frequency of approximately 0.001% (greater than 70000 alleles tested) in our clinical cohort. This amino acid position is highly conserved in available vertebrate species. In addition, in silico predictors for this gene do not accurately predict pathogenicity. Since supporting evidence is limited at this time, the clinical significance of p.H392Y remains unclear.